The following is an entry in ClinVar:

ClinVar aggregate classification (germline): Uncertain significance. Review status: criteria provided, multiple submitters, no conflicts (2 of 4 stars). 4 submissions from 4 submitters: Uncertain significance (4). Last evaluated 2024-12-30.

Conditions:
Intellectual developmental disorder, X-linked, syndromic, Raymond type. Also called: Syndromic X-linked intellectual disability Raymond type. Identifiers: MedGen C3275406, MONDO:0010427, OMIM 300799.
ZDHHC9-related disorder. Also called: ZDHHC9-related condition.

Allele frequency attached by ClinVar (database versions not stated): gnomAD exomes 0.00001 and below 0.00001; TOPMed below 0.00001; ExAC 0.00001.

Submissions (4):

GeneDx
Classification: Uncertain significance. Last evaluated: 2024-12-30. Review status: criteria provided, single submitter. Criteria: GeneDx Variant Classification Process June 2021. Collection method: clinical testing. Allele origin: germline. Affected: yes.
Comment: Canonical splice site variant predicted to result in an in-frame loss of the adjacent exon in a gene for which loss of function is a known mechanism of disease; Has not been previously published as pathogenic or benign to our knowledge

Labcorp Genetics (formerly Invitae), Labcorp
Classification: Uncertain significance for Intellectual developmental disorder, X-linked, syndromic, Raymond type. Last evaluated: 2024-10-23. Review status: criteria provided, single submitter. Criteria: Invitae Variant Classification Sherloc (09022015). Collection method: clinical testing. Allele origin: germline.
Comment: This sequence change falls in intron 4 of the ZDHHC9 gene. It does not directly change the encoded amino acid sequence of the ZDHHC9 protein. It affects a nucleotide within the consensus splice site. This variant is present in population databases (rs763845850, gnomAD 0.001%), including at least one homozygous and/or hemizygous individual. This variant has not been reported in the literature in individuals affected with ZDHHC9-related conditions. ClinVar contains an entry for this variant (Variation ID: 1447870). Variants that disrupt the consensus splice site are a relatively common cause of aberrant splicing (PMID: 17576681, 9536098). Algorithms developed to predict the effect of sequence changes on RNA splicing suggest that this variant may create or strengthen a splice site. In summary, the available evidence is currently insufficient to determine the role of this variant in disease. Therefore, it has been classified as a Variant of Uncertain Significance.

PreventionGenetics, part of Exact Sciences
Classification: Uncertain significance for ZDHHC9-related condition. Last evaluated: 2023-05-12. Review status: criteria provided, single submitter. Criteria: ACMG Guidelines, 2015. Collection method: clinical testing. Allele origin: germline.
Comment: The ZDHHC9 c.329-2dupA variant is predicted to result in an intronic duplication. To our knowledge, this variant has not been reported in the literature. This variant is reported in 0.0012% of alleles in individuals of European (Non-Finnish) descent in gnomAD, including one hemizygous individual. At this time, the clinical significance of this variant is uncertain due to the absence of conclusive functional and genetic evidence.

Revvity Omics, Revvity
Classification: Uncertain significance. Last evaluated: 2022-06-06. Review status: criteria provided, single submitter. Criteria: ACMG Guidelines, 2015. Collection method: clinical testing. Allele origin: germline.

Literature cited by the submitters: PubMed 17576681 (cited by Labcorp Genetics (formerly Invitae), Labcorp); PubMed 9536098 (cited by Labcorp Genetics (formerly Invitae), Labcorp).

NM_016032.4(ZDHHC9):c.329-2dup

Gene: ZDHHC9 (zDHHC palmitoyltransferase 9; minus strand). Cytogenetic location: Xq26.1.
Variant type: Duplication.
Coding change: c.329-2dup on transcript NM_016032.4 (MANE Select); the canonical splice acceptor site of the intron before coding-DNA position 329, one base duplicated (A; older notation c.329-2dupA).
Molecular consequence: splice acceptor variant.
Genome position (GRCh38, 1-based): chrX:129,823,839, T duplicated on the plus strand (A on the coding strand, the reverse complement: ZDHHC9 is on the minus strand). VCF-style (leftmost placement, unchanged base first): chrX-129823838-C-CT. GRCh37 (hg19) VCF-style: chrX-128957814-C-CT.
Other names: c.329-2dup (NM_001008222.3); c.329-2dupA (NM_016032.3).
Identifiers: ClinVar variation 1447870 (VCV001447870.10), dbSNP rs763845850, ClinGen allele CA10513558.